The following is an entry in ClinVar:

ClinVar aggregate classification (germline): Uncertain significance (1 of 4 stars; one submission).

Conditions:
Developmental and epileptic encephalopathy, 13 (DEE13). Also called: Developmental and Epileptic Encephalopathy (SCN8A-DEE); Early infantile epileptic encephalopathy 13; SCN8A-Related Epilepsy. Identifiers: Orphanet 442835, MedGen C3281191, MONDO:0013801, OMIM 614558.

Submission:

3billion
Classification: Uncertain significance for Developmental and epileptic encephalopathy, 13. Last evaluated: 2024-06-24. Review status: criteria provided, single submitter. Criteria: ACMG Guidelines, 2015. Collection method: clinical testing. Allele origin: germline. Affected: yes.
Comment: The variant is not observed in the gnomAD v4.0.0 dataset. Predicted Consequence/Location: Missense changes are a common disease-causing mechanism. In silico tool predictions suggest damaging effect of the variant on gene or gene product [REVEL: 0.77 (>=0.6, sensitivity 0.68 and specificity 0.92)]. A different missense change at the same codon (p.Asp1833His) has been reported to be associated with SCN8A related disorder (PMID: 30968951). Therefore, this variant is classified as VUS according to the recommendation of ACMG/AMP guideline.

Literature cited by the submitters: PubMed 30968951.

NM_001330260.2(SCN8A):c.5497G>A (p.Asp1833Asn)

Gene: SCN8A (sodium voltage-gated channel alpha subunit 8; plus strand). Cytogenetic location: 12q13.13.
Variant type: single nucleotide variant.
Coding change: c.5497G>A on transcript NM_001330260.2 (MANE Select); coding-DNA position 5497, G replaced by A.
Protein change: p.Asp1833Asn; replaces aspartic acid 1833 with asparagine.
Molecular consequence: missense variant.
Genome position (GRCh38, 1-based): chr12:51,806,983, G>A. VCF-style: chr12-51806983-G-A. GRCh37 (hg19) VCF-style: chr12-52200767-G-A.
Other names: c.5374G>A, p.Asp1792Asn (NM_001177984.3, NM_001369788.1); c.5497G>A, p.Asp1833Asn (NM_014191.4); short protein forms D1792N, D1833N.
Identifiers: ClinVar variation 4293652 (VCV004293652.1).